The following is an entry in ClinVar:

ClinVar aggregate classification (germline): Uncertain significance. Review status: criteria provided, multiple submitters, no conflicts (2 of 4 stars). 2 submissions from 2 submitters: Uncertain significance (2). Last evaluated 2024-01-09.

Conditions:
Hereditary cancer-predisposing syndrome. Also called: Neoplastic Syndromes, Hereditary; Hereditary Cancer Syndrome; Tumor predisposition; Hereditary neoplastic syndrome. Identifiers: Orphanet 140162, MedGen C0027672, MeSH D009386, MONDO:0015356.

Submissions (2):

Ambry Genetics
Classification: Uncertain significance for Hereditary cancer-predisposing syndrome. Last evaluated: 2024-01-09. Review status: criteria provided, single submitter. Criteria: Ambry Variant Classification Scheme 2023. Collection method: clinical testing. Allele origin: germline.
Comment: The p.L542P variant (also known as c.1625T>C), located in coding exon 4 of the MSH6 gene, results from a T to C substitution at nucleotide position 1625. The leucine at codon 542 is replaced by proline, an amino acid with similar properties. This amino acid position is not well conserved in available vertebrate species. In addition, the in silico prediction for this alteration is inconclusive. Since supporting evidence is limited at this time, the clinical significance of this alteration remains unclear.

Color Diagnostics, LLC DBA Color Health
Classification: Uncertain significance for Hereditary cancer-predisposing syndrome. Last evaluated: 2023-12-04. Review status: criteria provided, single submitter. Criteria: ACMG Guidelines, 2015. Collection method: clinical testing. Allele origin: germline.
Comment: This missense variant replaces leucine with proline at codon 542 of the MSH6 protein. Computational prediction suggests that this variant may not impact protein structure and function (internally defined REVEL score threshold <= 0.5, PMID: 27666373). To our knowledge, functional studies have not been reported for this variant. This variant has not been reported in individuals affected with MSH6-related disorders in the literature. This variant has not been identified in the general population by the Genome Aggregation Database (gnomAD). The available evidence is insufficient to determine the role of this variant in disease conclusively. Therefore, this variant is classified as a Variant of Uncertain Significance.

NM_000179.3(MSH6):c.1625T>C (p.Leu542Pro)

Gene: MSH6 (mutS homolog 6; plus strand). Cytogenetic location: 2p16.3.
Variant type: single nucleotide variant.
Coding change: c.1625T>C on transcript NM_000179.3 (MANE Select); coding-DNA position 1625, T replaced by C.
Protein change: p.Leu542Pro; replaces leucine 542 with proline.
Molecular consequence: missense variant.
Genome position (GRCh38, 1-based): chr2:47,799,608, T>C. VCF-style: chr2-47799608-T-C. GRCh37 (hg19) VCF-style: chr2-48026747-T-C.
Other names: c.1235T>C, p.Leu412Pro (NM_001281492.2); c.719T>C, p.Leu240Pro (NM_001281493.2, NM_001281494.2); short protein forms L240P, L542P, L412P.
Identifiers: ClinVar variation 928117 (VCV000928117.6), dbSNP rs1669353846, ClinGen allele CA346747098.
Genomic context (GRCh38, chr2:47,799,608, plus strand): 5'-AGACTTACAGTGTGCTGGAAGGTGATCCCTCTGAGAACTACAGTAAGTATCTTCTTAGCC[T>C]CAAAGAAAAAGAGGAAGATTCTTCTGGCCATACTCGTGCATATGGTGTGTGCTTTGTTGA-3'
Protein context (NP_000170.1, residues 532-552): SENYSKYLLS[Leu542Pro]KEKEEDSSGH